The following is an entry in ClinVar:

ClinVar aggregate classification (germline): Benign (1 of 4 stars; one submission).

Conditions:
Transitory neonatal diabetes mellitus. Also called: Transient neonatal diabetes mellitus. Identifiers: MedGen C0342273, MONDO:0020525, HP:0008255.

gnomAD v4.1: 4 of 1,599,948 alleles (0.00025%); highest among the groups gnomAD compares: East Asian, 0.0023%; no homozygotes.

Submission:

Clinical Genomics, Uppaluri K&H Personalized Medicine Clinic
Classification: Benign for Transitory neonatal diabetes mellitus. Review status: criteria provided, single submitter. Criteria: K & H Uppaluri Personalized Medicine Clinic Variant Classification & Assertion Criteria_Updated V.1. Collection method: research. Allele origin: unknown.
Comment: Potent mutations in GLIS3 predisposes to neonatal diabetes mellitus with an extra pancreatic manifestation of hypothyroidism. It also predisposes to early onset diabetes in adults.However no sufficient evidence is found to ascertain the role of this particular variant rs74680081, yet.

Literature cited by the submitters: PubMed 32693112; PubMed 27899417; PubMed 29992946; PubMed 35394098; PubMed 29146476.

NM_001042413.2(GLIS3):c.1092G>A (p.Pro364=)

Gene: GLIS3 (GLIS family zinc finger 3; minus strand). Cytogenetic location: 9p24.2.
Variant type: single nucleotide variant.
Coding change: c.1092G>A on transcript NM_001042413.2 (MANE Select); coding-DNA position 1092, G replaced by A.
Protein change: p.Pro364=; no amino-acid change (proline 364 retained).
Molecular consequence: synonymous variant.
Genome position (GRCh38, 1-based): chr9:4,118,386, C>T on the plus strand (G>A on the coding strand, the complement: GLIS3 is on the minus strand). VCF-style: chr9-4118386-C-T. GRCh37 (hg19) VCF-style: chr9-4118386-C-T.
Other names: c.627G>A, p.Pro209= (NM_152629.4).
Identifiers: ClinVar variation 1802672 (VCV001802672.1), dbSNP rs74680081, ClinGen allele CA463854974.